The following is an entry in ClinVar:

ClinVar aggregate classification (germline): Uncertain significance (1 of 4 stars; one submission).

Conditions:
Hereditary cancer-predisposing syndrome. Also called: Tumor predisposition; Hereditary Cancer Syndrome; Hereditary neoplastic syndrome; Neoplastic Syndromes, Hereditary. Identifiers: Orphanet 140162, MedGen C0027672, MeSH D009386, MONDO:0015356.

gnomAD v4.1: 1 of 1,614,048 alleles (0.000062%); highest among the groups gnomAD compares: Admixed American, 0.0017%; no homozygotes.

Submission:

Ambry Genetics
Classification: Uncertain significance for Hereditary cancer-predisposing syndrome. Last evaluated: 2024-04-19. Review status: criteria provided, single submitter. Criteria: Ambry Variant Classification Scheme 2023. Collection method: clinical testing. Allele origin: germline.
Comment: The p.D407G variant (also known as c.1220A>G), located in coding exon 7 of the DICER1 gene, results from an A to G substitution at nucleotide position 1220. The aspartic acid at codon 407 is replaced by glycine, an amino acid with similar properties. This amino acid position is conserved. In addition, the in silico prediction for this alteration is inconclusive. Based on the available evidence, the clinical significance of this variant remains unclear.

NM_177438.3(DICER1):c.1220A>G (p.Asp407Gly)

Gene: DICER1 (dicer 1, ribonuclease III; minus strand). Cytogenetic location: 14q32.13.
Variant type: single nucleotide variant.
Coding change: c.1220A>G on transcript NM_177438.3 (MANE Select); coding-DNA position 1220, A replaced by G.
Protein change: p.Asp407Gly; replaces aspartic acid 407 with glycine.
Molecular consequence: missense variant. On other transcripts: 5 prime UTR variant (1), non-coding transcript variant (6).
Genome position (GRCh38, 1-based): chr14:95,124,352, T>C on the plus strand (A>G on the coding strand, the complement: DICER1 is on the minus strand). VCF-style: chr14-95124352-T-C. GRCh37 (hg19) VCF-style: chr14-95590689-T-C.
Other names: c.1220A>G, p.Asp407Gly (NM_001195573.1, NM_001271282.3, NM_001291628.2 and 14 more transcripts); c.938A>G, p.Asp313Gly (NM_001395686.1); c.815A>G, p.Asp272Gly (NM_001395687.1, NM_001395688.1, NM_001395689.1 and 3 more transcripts); c.653A>G, p.Asp218Gly (NM_001395691.1); c.-349A>G (NM_001395697.1); short protein forms D272G, D313G, D218G, D407G.
Identifiers: ClinVar variation 3272009 (VCV003272009.1).